The following is an entry in ClinVar:

NM_001267550.2(TTN):c.32090_32095+21del

Gene: TTN (titin; minus strand). Cytogenetic location: 2q31.2.
Variant type: Deletion.
Coding change: c.32090_32095+21del on transcript NM_001267550.2 (MANE Select); coding-DNA position 32090 through 21 bases into the intron after coding-DNA position 32095, 27 bases deleted (CCCGAGGTAGGATTTGCCTCAATCCTC).
Molecular consequence: splice donor variant. On other transcripts: intron variant (3).
Genome position (GRCh38, 1-based): chr2:178,689,032-178,689,058, GAGGATTGAGGCAAATCCTACCTCGGG deleted on the plus strand (CCCGAGGTAGGATTTGCCTCAATCCTC on the coding strand, the reverse complement: TTN is on the minus strand); deleting any 27 consecutive bases within chr2:178,689,032-178,689,063 gives the same sequence; the c. name uses the placement nearest the transcript's 3' end. VCF-style (leftmost placement, unchanged base first): chr2-178689031-AGAGGATTGAGGCAAATCCTACCTCGGG-A. GRCh37 (hg19) VCF-style: chr2-179553758-AGAGGATTGAGGCAAATCCTACCTCGGG-A.
Other names: c.13283-46741_13283-46715del (NM_003319.4); c.13859-46741_13859-46715del (NM_133437.4); c.13658-46741_13658-46715del (NM_133432.3); c.28358_28363+21del (NM_133378.4); c.31139_31144+21del (NM_001256850.1).
Identifiers: ClinVar variation 2199642 (VCV002199642.4), dbSNP rs2071637185, ClinGen allele CA1039717957.

ClinVar aggregate classification (germline): Likely pathogenic (1 of 4 stars; one submission).

Conditions:
Dilated cardiomyopathy 1G (CMD1G). Identifiers: Orphanet 154, MedGen C1858763, MONDO:0011400, OMIM 604145.
Autosomal recessive limb-girdle muscular dystrophy type 2J (LGMDR10). Also called: Limb-girdle muscular dystrophy, type 2J; MUSCULAR DYSTROPHY, LIMB-GIRDLE, AUTOSOMAL RECESSIVE 10. Identifiers: Orphanet 140922, MedGen C1837342, MONDO:0012127, OMIM 608807.

Submission:

Labcorp Genetics (formerly Invitae), Labcorp
Classification: Likely pathogenic for Dilated cardiomyopathy 1G; Autosomal recessive limb-girdle muscular dystrophy type 2J. Last evaluated: 2024-07-22. Review status: criteria provided, single submitter. Criteria: Invitae Variant Classification Sherloc (09022015). Collection method: clinical testing. Allele origin: germline.
Comment: This variant results in the deletion of part of exon 125 (c.32090_32095+21del) of the TTN gene. It is expected to disrupt RNA splicing and likely results in a truncated or disrupted TTN protein. This variant is not present in population databases (gnomAD no frequency). This variant has not been reported in the literature in individuals affected with TTN-related conditions. ClinVar contains an entry for this variant (Variation ID: 2199642). This variant is located in the I band of TTN (PMID: 25589632). Truncating variants in this region have been reported in individuals affected with autosomal recessive centronuclear myopathy (PMID: 23975875, Invitae internal data). Truncating variants in this region have also been identified in individuals affected with autosomal dominant dilated cardiomyopathy and/or cardio-related conditions (PMID: 27869827, 32964742, Invitae internal data). In summary, the currently available evidence indicates that the variant is pathogenic, but additional data are needed to prove that conclusively. Therefore, this variant has been classified as Likely Pathogenic.

Literature cited by the submitters: PubMed 25589632; PubMed 23975875; PubMed 27869827; PubMed 32964742.